The following is an entry in ClinVar:

NM_000404.4(GLB1):c.971A>T (p.Tyr324Phe)

Gene: GLB1 (galactosidase beta 1; minus strand). Cytogenetic location: 3p22.3.
Variant type: single nucleotide variant.
Coding change: c.971A>T on transcript NM_000404.4 (MANE Select); coding-DNA position 971, A replaced by T.
Protein change: p.Tyr324Phe; replaces tyrosine 324 with phenylalanine.
Molecular consequence: missense variant.
Genome position (GRCh38, 1-based): chr3:33,046,217, T>A on the plus strand (A>T on the coding strand, the complement: GLB1 is on the minus strand). VCF-style: chr3-33046217-T-A. GRCh37 (hg19) VCF-style: chr3-33087709-T-A.
Other names: p.Tyr324Phe; c.881A>T, p.Tyr294Phe (NM_001079811.3); c.578A>T, p.Tyr193Phe (NM_001135602.3); c.1115A>T, p.Tyr372Phe (NM_001317040.2); c.971A>T, p.Tyr324Phe (NM_001393580.1); short protein forms Y193F, Y294F, Y372F, Y324F.
Identifiers: ClinVar variation 4540848 (VCV004540848.1).
Genomic context (GRCh38, chr3:33,046,217, plus strand): 5'-GTGAGGTCCCCAGCCTCACTCAGTGGGGCATCATAGTCGTAGCTGGTGGGCTGTGCTGCA[T>A]AGGGTGAGTTGGCCCCTAGAAGACAAAAATGTGCCACTAGTTATTACTGATGGTGCAGCT-3'
Protein context (NP_000395.3, residues 314-334): FAYWNGANSP[Tyr324Phe]AAQPTSYDYD

ClinVar aggregate classification (germline): Uncertain significance (1 of 4 stars; one submission).

gnomAD v4.1: 3 of 1,613,896 alleles (0.00019%); highest among the groups gnomAD compares: African/African-American, 0.004%; no homozygotes.

Submission:

Mayo Clinic Laboratories, Mayo Clinic
Classification: Uncertain significance. Last evaluated: 2025-04-29. Review status: criteria provided, single submitter. Criteria: ACMG Guidelines, 2015. Collection method: clinical testing. Allele origin: germline. Observed: 1 variant allele.
Comment: PP3